The following is an entry in ClinVar:

NM_001297595.2(SIN3B):c.2179C>G (p.Leu727Val)

Gene: SIN3B (SIN3 transcription regulator family member B; plus strand). Cytogenetic location: 19p13.11.
Variant type: single nucleotide variant.
Coding change: c.2179C>G on transcript NM_001297595.2 (MANE Select); coding-DNA position 2179, C replaced by G.
Protein change: p.Leu727Val; replaces leucine 727 with valine.
Molecular consequence: missense variant.
Genome position (GRCh38, 1-based): chr19:16,869,832, C>G. VCF-style: chr19-16869832-C-G. GRCh37 (hg19) VCF-style: chr19-16980643-C-G.
Other names: c.949C>G, p.Leu317Val (NM_001297597.2); c.2275C>G, p.Leu759Val (NM_015260.4); short protein forms L317V, L759V, L727V.
Identifiers: ClinVar variation 5008494 (VCV005008494.1).
Genomic context (GRCh38, chr19:16,869,832, plus strand): 5'-AGTAGCCCCCCAGAGGAGAAGGGGGCCTTCGGGGATGCCCCGGCCACTGAGCAGCCACCC[C>G]TGCCGCCCCCAGCCCCGCACAAGCCCCTGGACGATGTCTACAGCCTATTTTTTGCCAACA-3'
Protein context (NP_001284524.1, residues 717-737): GDAPATEQPP[Leu727Val]PPPAPHKPLD

ClinVar aggregate classification (germline): Uncertain significance (1 of 4 stars; one submission).

Submission:

GeneDx
Classification: Uncertain significance. Last evaluated: 2026-03-03. Review status: criteria provided, single submitter. Criteria: GeneDx Variant Classification Process June 2021. Collection method: clinical testing. Allele origin: germline.
Comment: Not observed at significant frequency in large population cohorts (gnomAD); In silico analysis suggests that this missense variant does not alter protein structure/function; Has not been previously published as pathogenic or benign to our knowledge.